The following is an entry in ClinVar:

ClinVar aggregate classification (germline): Uncertain significance. Review status: criteria provided, multiple submitters, no conflicts (2 of 4 stars). 3 submissions from 3 submitters: Uncertain significance (3). Last evaluated 2025-11-05.

Conditions:
Inflammatory skin and bowel disease, neonatal, 2 (NNCIS). Identifiers: Orphanet 294023, MedGen C4015130, MONDO:0014481, OMIM 616069.
Lung cancer. Also called: Lung cancer, somatic; Malignant tumor of lung. Identifiers: MedGen C0242379, MONDO:0008903, OMIM 211980.
Hereditary cancer-predisposing syndrome. Also called: Neoplastic Syndromes, Hereditary; Tumor predisposition; Hereditary Cancer Syndrome; Hereditary neoplastic syndrome. Identifiers: Orphanet 140162, MedGen C0027672, MeSH D009386, MONDO:0015356.
EGFR-related lung cancer (EGFR). Identifiers: MedGen CN130014.

Submissions (3):

Labcorp Genetics (formerly Invitae), Labcorp
Classification: Uncertain significance for EGFR-related lung cancer. Last evaluated: 2025-11-05. Review status: criteria provided, single submitter. Criteria: Invitae Variant Classification Sherloc (09022015). Collection method: clinical testing. Allele origin: germline.
Comment: This sequence change replaces threonine, which is neutral and polar, with serine, which is neutral and polar, at codon 430 of the EGFR protein (p.Thr430Ser). This variant is not present in population databases (gnomAD no frequency). This variant has not been reported in the literature in individuals affected with EGFR-related conditions. ClinVar contains an entry for this variant (Variation ID: 998791). An algorithm developed to predict the effect of missense changes on protein structure and function (PolyPhen-2) suggests that this variant is likely to be tolerated. In summary, the available evidence is currently insufficient to determine the role of this variant in disease. Therefore, it has been classified as a Variant of Uncertain Significance.

Ambry Genetics
Classification: Uncertain significance for Hereditary cancer-predisposing syndrome. Last evaluated: 2024-12-20. Review status: criteria provided, single submitter. Criteria: Ambry Variant Classification Scheme 2023. Collection method: clinical testing. Allele origin: germline.
Comment: The p.T430S variant (also known as c.1288A>T), located in coding exon 11 of the EGFR gene, results from an A to T substitution at nucleotide position 1288. The threonine at codon 430 is replaced by serine, an amino acid with similar properties. This amino acid position is conserved. In addition, the in silico prediction for this alteration is inconclusive. Based on the available evidence, the clinical significance of this variant remains unclear.

Fulgent Genetics
Classification: Uncertain significance for Lung cancer; Inflammatory skin and bowel disease, neonatal, 2. Last evaluated: 2024-02-21. Review status: criteria provided, single submitter. Criteria: ACMG Guidelines, 2015. Collection method: clinical testing. Allele origin: germline.

NM_005228.5(EGFR):c.1288A>T (p.Thr430Ser)

Gene: EGFR (epidermal growth factor receptor; plus strand). Cytogenetic location: 7p11.2.
Variant type: single nucleotide variant.
Coding change: c.1288A>T on transcript NM_005228.5 (MANE Select); coding-DNA position 1288, A replaced by T.
Protein change: p.Thr430Ser; replaces threonine 430 with serine.
Molecular consequence: missense variant.
Genome position (GRCh38, 1-based): chr7:55,157,743, A>T. VCF-style: chr7-55157743-A-T. GRCh37 (hg19) VCF-style: chr7-55225436-A-T.
Other names: c.1288A>T (NM_005228.3); c.1153A>T, p.Thr385Ser (NM_001346897.2, NM_001346899.2); c.1288A>T, p.Thr430Ser (NM_001346898.2, NM_201282.2, NM_201284.2); c.1129A>T, p.Thr377Ser (NM_001346900.2); c.487A>T, p.Thr163Ser (NM_001346941.2); short protein forms T163S, T377S, T385S, T430S.
Identifiers: ClinVar variation 998791 (VCV000998791.10), dbSNP rs1785501999, ClinGen allele CA367579268.
Genomic context (GRCh38, chr7:55,157,743, plus strand): 5'-TGGCCTGAAAACAGGACGGACCTCCATGCCTTTGAGAACCTAGAAATCATACGCGGCAGG[A>T]CCAAGCAACAGTAAGTTGACCACAGCCAAAGCCTGGTAGATTACATTTGCCTTTTTAGTT-3'
Protein context (NP_005219.2, residues 420-440): FENLEIIRGR[Thr430Ser]KQHGQFSLAV